The following is an entry in ClinVar:

NM_001166108.2(PALLD):c.2950C>T (p.His984Tyr)

Genes: CBR4 (carbonyl reductase 4; minus strand), PALLD (palladin, cytoskeletal associated protein; plus strand). Cytogenetic location: 4q32.3.
Variant type: single nucleotide variant.
Coding change: c.2950C>T on transcript NM_001166108.2 (MANE Select); coding-DNA position 2950, C replaced by T.
Protein change: p.His984Tyr; replaces histidine 984 with tyrosine.
Molecular consequence: missense variant.
Genome position (GRCh38, 1-based): chr4:168,921,633, C>T. VCF-style: chr4-168921633-C-T. GRCh37 (hg19) VCF-style: chr4-169842784-C-T.
Other names: c.1753C>T, p.His585Tyr (NM_001166109.2); c.1438C>T, p.His480Tyr (NM_001166110.2); c.778C>T, p.His260Tyr (NM_001367567.1, NM_001367569.1); c.829C>T, p.His277Tyr (NM_001367568.1, NM_001367570.1); c.2899C>T, p.His967Tyr (NM_016081.4); short protein forms H260Y, H277Y, H480Y, H585Y, H967Y, H984Y.
Identifiers: ClinVar variation 3226793 (VCV003226793.1), dbSNP rs2534193970, ClinGen allele CA358709066.

ClinVar aggregate classification (germline): Uncertain significance (1 of 4 stars; one submission).

Submission:

Ambry Genetics
Classification: Uncertain significance. Last evaluated: 2024-02-26. Review status: criteria provided, single submitter. Criteria: Ambry Variant Classification Scheme 2023. Collection method: clinical testing. Allele origin: germline.
Comment: The p.H967Y variant (also known as c.2899C>T), located in coding exon 16 of the PALLD gene, results from a C to T substitution at nucleotide position 2899. The histidine at codon 967 is replaced by tyrosine, an amino acid with similar properties. This amino acid position is conserved. In addition, this alteration is predicted to be deleterious by in silico analysis. Based on the available evidence, the clinical significance of this alteration remains unclear.